The following is an entry in ClinVar:

NM_000059.4(BRCA2):c.842A>G (p.Asp281Gly)

Gene: BRCA2 (BRCA2 DNA repair associated; plus strand). Cytogenetic location: 13q13.1.
Variant type: single nucleotide variant.
Coding change: c.842A>G on transcript NM_000059.4 (MANE Select); coding-DNA position 842, A replaced by G.
Protein change: p.Asp281Gly; replaces aspartic acid 281 with glycine.
Molecular consequence: missense variant.
Genome position (GRCh38, 1-based): chr13:32,332,320, A>G. VCF-style: chr13-32332320-A-G. GRCh37 (hg19) VCF-style: chr13-32906457-A-G.
Other names: short protein forms D281G.
Identifiers: ClinVar variation 481514 (VCV000481514.13), dbSNP rs1555281610, ClinGen allele CA387760501.

ClinVar aggregate classification (germline): Conflicting classifications of pathogenicity. Review status: criteria provided, conflicting classifications (1 of 4 stars). 4 submissions from 4 submitters: Uncertain significance (3); Likely benign (1). Last evaluated 2023-03-23.

Conditions:
Hereditary cancer-predisposing syndrome. Also called: Neoplastic Syndromes, Hereditary; Tumor predisposition; Hereditary Cancer Syndrome; Hereditary neoplastic syndrome. Identifiers: Orphanet 140162, MedGen C0027672, MeSH D009386, MONDO:0015356.
Hereditary breast ovarian cancer syndrome. Also called: Hereditary breast and ovarian cancer syndrome; Hereditary breast and ovarian cancer; Hereditary breast and ovarian cancer syndrome (HBOC); Breast and ovarian cancer; Hereditary breast and/or ovarian cancer syndrome; BRCA1- and BRCA2-Associated Hereditary Breast and Ovarian Cancer. Identifiers: Orphanet 145, MedGen C0677776, MeSH D061325, MONDO:0003582. Disease mechanism: loss of function.
Familial cancer of breast. Also called: BREAST CANCER, FAMILIAL; Hereditary breast cancer; hereditary breast carcinoma. Identifiers: Orphanet 227535, MedGen C0346153, MONDO:0016419, OMIM 114480. Disease mechanism: loss of function.

Submissions (4):

University of Washington Department of Laboratory Medicine, University of Washington
Classification: Likely benign for Hereditary cancer-predisposing syndrome. Last evaluated: 2023-03-23. Review status: criteria provided, single submitter. Criteria: Dines et al. (Genet Med. 2020). Collection method: curation. Allele origin: germline.
Comment: Missense variant in a coldspot region where missense variants are very unlikely to be pathogenic (PMID:31911673).

BRCA2 exon 10 coldspot. Reclassification based on statistical prior probability.

Baylor Genetics
Classification: Uncertain significance for Familial cancer of breast. Last evaluated: 2021-10-29. Review status: criteria provided, single submitter. Criteria: ACMG Guidelines, 2015. Collection method: clinical testing. Allele origin: unknown.

Labcorp Genetics (formerly Invitae), Labcorp
Classification: Uncertain significance for Hereditary breast ovarian cancer syndrome. Last evaluated: 2021-10-06. Review status: criteria provided, single submitter. Criteria: Invitae Variant Classification Sherloc (09022015). Collection method: clinical testing. Allele origin: germline.
Comment: In summary, the available evidence is currently insufficient to determine the role of this variant in disease. Therefore, it has been classified as a Variant of Uncertain Significance. Advanced modeling of protein sequence and biophysical properties (such as structural, functional, and spatial information, amino acid conservation, physicochemical variation, residue mobility, and thermodynamic stability) performed at Invitae indicates that this missense variant is not expected to disrupt BRCA2 protein function. ClinVar contains an entry for this variant (Variation ID: 481514). This variant has not been reported in the literature in individuals affected with BRCA2-related conditions. This variant is not present in population databases (ExAC no frequency). This sequence change replaces aspartic acid with glycine at codon 281 of the BRCA2 protein (p.Asp281Gly). The aspartic acid residue is moderately conserved and there is a moderate physicochemical difference between aspartic acid and glycine.

Ambry Genetics
Classification: Uncertain significance for Hereditary cancer-predisposing syndrome. Last evaluated: 2016-01-15. Review status: criteria provided, single submitter. Criteria: Ambry Variant Classification Scheme 2023. Collection method: clinical testing. Allele origin: germline.
Comment: The p.D281G variant (also known as c.842A>G), located in coding exon 9 of the BRCA2 gene, results from an A to G substitution at nucleotide position 842. The aspartic acid at codon 281 is replaced by glycine, an amino acid with similar properties. This variant was not reported in population based cohorts in the following databases: Database of Single Nucleotide Polymorphisms (dbSNP), NHLBI Exome Sequencing Project (ESP), and 1000 Genomes Project. In the ESP, this variant was not observed in 6496 samples (12992 alleles) with coverage at this position. To date, this alteration has been detected with an allele frequency of approximately 0.0004% (greater than 225000 alleles tested) in our clinical cohort. This amino acid position is highly conserved in available vertebrate species. In addition, this alteration is predicted to be tolerated by in silico analysis. Since supporting evidence is limited at this time, the clinical significance of this alteration remains unclear.